The following is an entry in ClinVar:

ClinVar aggregate classification (germline): Uncertain significance (1 of 4 stars; one submission).

Conditions:
DICER1-related tumor predisposition. Also called: DICER1-related pleuropulmonary blastoma cancer predisposition syndrome; DICER1 syndrome. Identifiers: Orphanet 284343, MedGen C3839822, MONDO:0100216.

Submission:

Labcorp Genetics (formerly Invitae), Labcorp
Classification: Uncertain significance for DICER1-related tumor predisposition. Last evaluated: 2024-02-20. Review status: criteria provided, single submitter. Criteria: Invitae Variant Classification Sherloc (09022015). Collection method: clinical testing. Allele origin: germline.
Comment: This sequence change replaces histidine, which is basic and polar, with proline, which is neutral and non-polar, at codon 1767 of the DICER1 protein (p.His1767Pro). This variant is not present in population databases (gnomAD no frequency). This variant has not been reported in the literature in individuals affected with DICER1-related conditions. ClinVar contains an entry for this variant (Variation ID: 1493325). Advanced modeling of protein sequence and biophysical properties (such as structural, functional, and spatial information, amino acid conservation, physicochemical variation, residue mobility, and thermodynamic stability) performed at Invitae indicates that this missense variant is not expected to disrupt DICER1 protein function with a negative predictive value of 80%. In summary, the available evidence is currently insufficient to determine the role of this variant in disease. Therefore, it has been classified as a Variant of Uncertain Significance.

NM_177438.3(DICER1):c.5300A>C (p.His1767Pro)

Gene: DICER1 (dicer 1, ribonuclease III; minus strand). Cytogenetic location: 14q32.13.
Variant type: single nucleotide variant.
Coding change: c.5300A>C on transcript NM_177438.3 (MANE Select); coding-DNA position 5300, A replaced by C.
Protein change: p.His1767Pro; replaces histidine 1767 with proline.
Molecular consequence: missense variant.
Genome position (GRCh38, 1-based): chr14:95,093,952, T>G on the plus strand (A>C on the coding strand, the complement: DICER1 is on the minus strand). VCF-style: chr14-95093952-T-G. GRCh37 (hg19) VCF-style: chr14-95560289-T-G.
Other names: c.5300A>C, p.His1767Pro (NM_001195573.1, NM_001271282.3, NM_001291628.2 and 1 more transcripts); short protein forms H1767P.
Identifiers: ClinVar variation 1493325 (VCV001493325.9), dbSNP rs1296798488, ClinGen allele CA390865002.